The following is an entry in ClinVar:

ClinVar aggregate classification (germline): Uncertain significance (1 of 4 stars; one submission).

Allele frequency attached by ClinVar (database versions not stated): gnomAD 0.00001; gnomAD exomes 0.00001; TOPMed 0.00002; ExAC 0.00006.
gnomAD v4.1: 22 of 1,610,480 alleles (0.0014%); highest among the groups gnomAD compares: East Asian, 0.0022%; no homozygotes.

Submission:

Labcorp Genetics (formerly Invitae), Labcorp
Classification: Uncertain significance. Last evaluated: 2024-10-24. Review status: criteria provided, single submitter. Criteria: Invitae Variant Classification Sherloc (09022015). Collection method: clinical testing. Allele origin: germline.
Comment: This sequence change replaces arginine, which is basic and polar, with histidine, which is basic and polar, at codon 327 of the ADAMTSL4 protein (p.Arg327His). This variant is present in population databases (rs774556202, gnomAD 0.006%). This variant has not been reported in the literature in individuals affected with ADAMTSL4-related conditions. ClinVar contains an entry for this variant (Variation ID: 1921251). Invitae Evidence Modeling of protein sequence and biophysical properties (such as structural, functional, and spatial information, amino acid conservation, physicochemical variation, residue mobility, and thermodynamic stability) indicates that this missense variant is not expected to disrupt ADAMTSL4 protein function with a negative predictive value of 80%. In summary, the available evidence is currently insufficient to determine the role of this variant in disease. Therefore, it has been classified as a Variant of Uncertain Significance.

NM_019032.6(ADAMTSL4):c.980G>A (p.Arg327His)

Genes: ADAMTSL4 (ADAMTS like 4; plus strand), ADAMTSL4-AS2 (ADAMTSL4 antisense RNA 2; minus strand). Cytogenetic location: 1q21.2.
Variant type: single nucleotide variant.
Coding change: c.980G>A on transcript NM_019032.6 (MANE Select); coding-DNA position 980, G replaced by A.
Protein change: p.Arg327His; replaces arginine 327 with histidine.
Molecular consequence: missense variant.
Genome position (GRCh38, 1-based): chr1:150,553,971, G>A. VCF-style: chr1-150553971-G-A. GRCh37 (hg19) VCF-style: chr1-150526447-G-A.
Other names: c.980G>A, p.Arg327His (NM_001288607.2, NM_001288608.2, NM_001378596.1 and 1 more transcripts); short protein forms R327H.
Identifiers: ClinVar variation 1921251 (VCV001921251.5), dbSNP rs774556202, ClinGen allele CA1078090.